The following is an entry in ClinVar:

ClinVar aggregate classification (germline): Uncertain significance. Review status: criteria provided, multiple submitters, no conflicts (2 of 4 stars). 2 submissions from 2 submitters: Uncertain significance (2). Last evaluated 2024-09-27.

Conditions:
Bethlem myopathy 1A. Also called: MYOPATHY, BENIGN CONGENITAL, WITH CONTRACTURES; Bethlem myopathy 1; Bethlem Muscular Dystrophy. Identifiers: Orphanet 610, MedGen CN029274, MONDO:0024530, OMIM 158810.

Allele frequency attached by ClinVar (database versions not stated): ESP Exome Variant Server 0.00015; ExAC 0.00001; TOPMed below 0.00001.
gnomAD v4.1: 1 of 1,614,212 alleles (0.000062%); highest among the groups gnomAD compares: Non-Finnish European, 0.000085%; no homozygotes.

Submissions (2):

GeneDx
Classification: Uncertain significance. Last evaluated: 2024-09-27. Review status: criteria provided, single submitter. Criteria: GeneDx Variant Classification Process June 2021. Collection method: clinical testing. Allele origin: germline.
Comment: Not observed at significant frequency in large population cohorts (gnomAD); In silico analysis supports that this missense variant has a deleterious effect on protein structure/function; Has not been previously published as pathogenic or benign to our knowledge

Labcorp Genetics (formerly Invitae), Labcorp
Classification: Uncertain significance for Bethlem myopathy 1A. Last evaluated: 2022-09-07. Review status: criteria provided, single submitter. Criteria: Invitae Variant Classification Sherloc (09022015). Collection method: clinical testing. Allele origin: germline.
Comment: In summary, the available evidence is currently insufficient to determine the role of this variant in disease. Therefore, it has been classified as a Variant of Uncertain Significance. Advanced modeling of protein sequence and biophysical properties (such as structural, functional, and spatial information, amino acid conservation, physicochemical variation, residue mobility, and thermodynamic stability) performed at Invitae indicates that this missense variant is not expected to disrupt COL6A3 protein function. This sequence change replaces arginine, which is basic and polar, with methionine, which is neutral and non-polar, at codon 925 of the COL6A3 protein (p.Arg925Met). This variant is present in population databases (rs372127270, gnomAD 0.002%). This variant has not been reported in the literature in individuals affected with COL6A3-related conditions.

NM_004369.4(COL6A3):c.2774G>T (p.Arg925Met)

Gene: COL6A3 (collagen type VI alpha 3 chain; minus strand). Cytogenetic location: 2q37.3.
Variant type: single nucleotide variant.
Coding change: c.2774G>T on transcript NM_004369.4 (MANE Select); coding-DNA position 2774, G replaced by T.
Protein change: p.Arg925Met; replaces arginine 925 with methionine.
Molecular consequence: missense variant.
Genome position (GRCh38, 1-based): chr2:237,377,068, C>A on the plus strand (G>T on the coding strand, the complement: COL6A3 is on the minus strand). VCF-style: chr2-237377068-C-A. GRCh37 (hg19) VCF-style: chr2-238285711-C-A.
Other names: c.1553G>T, p.Arg518Met (NM_057164.5); c.2156G>T, p.Arg719Met (NM_057165.5, NM_057167.4); c.953G>T, p.Arg318Met (NM_057166.5); short protein forms R318M, R719M, R518M, R925M.
Identifiers: ClinVar variation 1810496 (VCV001810496.7), dbSNP rs372127270, ClinGen allele CA2189325.